The following is an entry in ClinVar:

NM_001252102.2(KIF21B):c.1235A>G (p.Asp412Gly)

Gene: KIF21B (kinesin family member 21B; minus strand). Cytogenetic location: 1q32.1.
Variant type: single nucleotide variant.
Coding change: c.1235A>G on transcript NM_001252102.2 (MANE Select); coding-DNA position 1235, A replaced by G.
Protein change: p.Asp412Gly; replaces aspartic acid 412 with glycine.
Molecular consequence: missense variant.
Genome position (GRCh38, 1-based): chr1:201,002,328, T>C on the plus strand (A>G on the coding strand, the complement: KIF21B is on the minus strand). VCF-style: chr1-201002328-T-C. GRCh37 (hg19) VCF-style: chr1-200971456-T-C.
Other names: c.1235A>G, p.Asp412Gly (NM_001252100.2, NM_001252103.2, NM_017596.4); short protein forms D412G.
Identifiers: ClinVar variation 3371162 (VCV003371162.1).

ClinVar aggregate classification (germline): Uncertain significance (1 of 4 stars; one submission).

gnomAD v4.1: 2 of 1,613,862 alleles (0.00012%); highest among the groups gnomAD compares: Non-Finnish European, 0.000085%; no homozygotes.

Submission:

GeneDx
Classification: Uncertain significance. Last evaluated: 2024-03-19. Review status: criteria provided, single submitter. Criteria: GeneDx Variant Classification Process June 2021. Collection method: clinical testing. Allele origin: germline. Affected: yes.
Comment: Not observed at significant frequency in large population cohorts (gnomAD); In silico analysis supports that this missense variant has a deleterious effect on protein structure/function; Has not been previously published as pathogenic or benign to our knowledge